The following is an entry in ClinVar:

ClinVar aggregate classification (germline): Uncertain significance (1 of 4 stars; one submission).

Conditions:
TNF receptor-associated periodic fever syndrome (TRAPS) (FPF). Also called: FAMILIAL HIBERNIAN FEVER; TNF RECEPTOR-ASSOCIATED PERIODIC SYNDROME; TUMOR NECROSIS FACTOR RECEPTOR-ASSOCIATED PERIODIC SYNDROME; TNF receptor 1-associated periodic fever syndrome; Autosomal Dominant Familial Periodic Fever; TNF Receptor-Associated Periodic Fever Syndrome. Identifiers: Orphanet 32960, MedGen C1275126, MONDO:0007727, OMIM 142680.

Allele frequency attached by ClinVar (database versions not stated): gnomAD exomes below 0.00001.
gnomAD v4.1: 3 of 1,584,342 alleles (0.00019%); highest among the groups gnomAD compares: East Asian, 0.0023%; no homozygotes.

Submission:

Labcorp Genetics (formerly Invitae), Labcorp
Classification: Uncertain significance for TNF receptor-associated periodic fever syndrome (TRAPS). Last evaluated: 2025-01-06. Review status: criteria provided, single submitter. Criteria: Invitae Variant Classification Sherloc (09022015). Collection method: clinical testing. Allele origin: germline.
Comment: This sequence change replaces proline, which is neutral and non-polar, with serine, which is neutral and polar, at codon 289 of the TNFRSF1A protein (p.Pro289Ser). This variant is not present in population databases (gnomAD no frequency). This variant has not been reported in the literature in individuals affected with TNFRSF1A-related conditions. ClinVar contains an entry for this variant (Variation ID: 2115248). An algorithm developed to predict the effect of missense changes on protein structure and function outputs the following: PolyPhen-2: "Benign". The serine amino acid residue is found in multiple mammalian species, which suggests that this missense change does not adversely affect protein function. In summary, the available evidence is currently insufficient to determine the role of this variant in disease. Therefore, it has been classified as a Variant of Uncertain Significance.

NM_001065.4(TNFRSF1A):c.865C>T (p.Pro289Ser)

Gene: TNFRSF1A (TNF receptor superfamily member 1A; minus strand). Cytogenetic location: 12p13.31.
Variant type: single nucleotide variant.
Coding change: c.865C>T on transcript NM_001065.4 (MANE Select); coding-DNA position 865, C replaced by T.
Protein change: p.Pro289Ser; replaces proline 289 with serine.
Molecular consequence: missense variant. On other transcripts: non-coding transcript variant (1).
Genome position (GRCh38, 1-based): chr12:6,329,970, G>A on the plus strand (C>T on the coding strand, the complement: TNFRSF1A is on the minus strand). VCF-style: chr12-6329970-G-A. GRCh37 (hg19) VCF-style: chr12-6439136-G-A.
Other names: c.541C>T, p.Pro181Ser (NM_001346091.2); c.406C>T, p.Pro136Ser (NM_001346092.2); short protein forms P136S, P181S, P289S.
Identifiers: ClinVar variation 2115248 (VCV002115248.4), dbSNP rs1592044162, ClinGen allele CA383546011.
Genomic context (GRCh38, chr12:6,329,970, plus strand): 5'-CCGCAAAGTTGGGACAGTCACCGGGGGTATAGGTGGAGCTGGAGGTGAAGGTGGAACTGG[G>A]CACGGGACTGAAGCCCAGGGTGGGGGTGAAGCCTGGAGTGGGACTGAAGCTTGGGTTTGG-3'
Protein context (NP_001056.1, residues 279-299): FTPTLGFSPV[Pro289Ser]SSTFTSSSTY